The following is an entry in ClinVar:

NM_000260.4(MYO7A):c.5573T>C (p.Leu1858Pro)

Gene: MYO7A (myosin VIIA; plus strand). Cytogenetic location: 11q13.5.
Variant type: single nucleotide variant.
Coding change: c.5573T>C on transcript NM_000260.4 (MANE Select); coding-DNA position 5573, T replaced by C.
Protein change: p.Leu1858Pro; replaces leucine 1858 with proline.
Molecular consequence: missense variant.
Genome position (GRCh38, 1-based): chr11:77,205,554, T>C. VCF-style: chr11-77205554-T-C. GRCh37 (hg19) VCF-style: chr11-76916599-T-C.
Other names: c.5459T>C, p.Leu1820Pro (NM_001127180.2); c.5426T>C, p.Leu1809Pro (NM_001369365.1); short protein forms L1858P, L1809P, L1820P.
Identifiers: ClinVar variation 43288 (VCV000043288.33), dbSNP rs368657015, ClinGen allele CA278684.

ClinVar aggregate classification (germline): Pathogenic/Likely pathogenic. Review status: criteria provided, multiple submitters, no conflicts (2 of 4 stars). 15 submissions from 15 submitters: Pathogenic (9); Likely pathogenic (1). 5 of the submissions do not count toward it. Last evaluated 2026-01-12.

Conditions:
MYO7A-related disorder. Also called: MYO7A-related disorders.
Usher syndrome. Also called: Usher Syndromes; Usher's syndrome. Identifiers: Orphanet 886, MedGen CN469326, MeSH D052245, MONDO:0019501. Disease mechanism: loss of function.
Rare genetic deafness. Identifiers: Orphanet 96210, MedGen C5680250.
Retinal dystrophy. Also called: Inherited retinal dystrophy. Identifiers: Orphanet 71862, MedGen C0854723, MeSH D058499, MONDO:0019118, HP:0000556.
Autosomal recessive nonsyndromic hearing loss 2. Also called: DEAFNESS, AUTOSOMAL RECESSIVE 2; NEUROSENSORY NONSYNDROMIC RECESSIVE DEAFNESS 2. Identifiers: Orphanet 90636, MedGen C1838701, MONDO:0010807, OMIM 600060.
Autosomal dominant nonsyndromic hearing loss 11. Identifiers: Orphanet 90635, MedGen C1832475, MONDO:0011032, OMIM 601317.
Usher syndrome type 1 (USH1). Also called: RETINITIS PIGMENTOSA AND CONGENITAL DEAFNESS. Identifiers: Orphanet 231169, Orphanet 886, MedGen C1568247, MONDO:0010168, OMIM 276900.
Usher syndrome type 1B (USH1B). Also called: Usher syndrome type IB. Identifiers: MedGen C1848638, MONDO:0700087.

Allele frequency attached by ClinVar (database versions not stated): gnomAD 0.00001; gnomAD exomes 0.00002; TOPMed 0.00002; ExAC 0.00003; ESP Exome Variant Server 0.00016.
gnomAD v4.1: 35 of 1,612,340 alleles (0.0022%); highest among the groups gnomAD compares: Non-Finnish European, 0.003%; no homozygotes.

Submissions (15):

Labcorp Genetics (formerly Invitae), Labcorp
Classification: Pathogenic. Last evaluated: 2026-01-12. Review status: criteria provided, single submitter. Criteria: Invitae Variant Classification Sherloc (09022015). Collection method: clinical testing. Allele origin: germline.
Comment: This sequence change replaces leucine, which is neutral and non-polar, with proline, which is neutral and non-polar, at codon 1858 of the MYO7A protein (p.Leu1858Pro). This variant is present in population databases (rs368657015, gnomAD 0.006%). This missense change has been observed in individual(s) with Usher syndrome (PMID: 10930322, 16679490, 22135276, 28944237). In at least one individual the data is consistent with being in trans (on the opposite chromosome) from a pathogenic variant. ClinVar contains an entry for this variant (Variation ID: 43288). Invitae Evidence Modeling of protein sequence and biophysical properties (such as structural, functional, and spatial information, amino acid conservation, physicochemical variation, residue mobility, and thermodynamic stability) indicates that this missense variant is expected to disrupt MYO7A protein function with a positive predictive value of 95%. For these reasons, this variant has been classified as Pathogenic.

Women's Health and Genetics/Laboratory Corporation of America, LabCorp
Classification: Pathogenic for Usher syndrome. Last evaluated: 2025-07-29. Review status: criteria provided, single submitter. Criteria: LabCorp Variant Classification Summary - May 2015. Collection method: clinical testing. Allele origin: germline.
Comment: Variant summary: MYO7A c.5573T>C (p.Leu1858Pro) results in a non-conservative amino acid change in the encoded protein sequence. Algorithms developed to predict the effect of missense changes on protein structure and function all suggest that this variant is likely to be disruptive. The variant allele was found at a frequency of 2.4e-05 in 245616 control chromosomes. c.5573T>C has been observed in multiple bi-alleleic individuals affected with Usher Syndrome (examples: Bharadwaj_2000, Roux_2006, Bademic_2016, Neuhaus_2017, Bahena_2021). These data indicate that the variant is very likely to be associated with disease. The following publications have been ascertained in the context of this evaluation (PMID: 34148116, 16679490, 10930322, 28944237, 26226137). ClinVar contains an entry for this variant (Variation ID: 43288). Based on the evidence outlined above, the variant was classified as pathogenic.

Natera, Inc.
Classification: Pathogenic for Usher syndrome type 1B. Last evaluated: 2024-11-13. Review status: criteria provided, single submitter. Criteria: Natera Variant Classification Schema (03/2026). Collection method: clinical testing. Allele origin: germline.
Comment: The c.5573T>C variant in MYO7A is a missense variant predicted to cause substitution of leucine to proline at amino acid 1858. This variant is rare in the general population with a frequency below the threshold expected for the associated phenotype(s). This variant has been observed in one or more individuals affected with the associated recessive disease, as either homozygous or compound heterozygous with a second variant (PMID: 34148116, 28944237, 27460420). Computational prediction algorithms indicate this variant is likely to affect gene or protein function. Given the available evidence, this variant is classified as Pathogenic.

Blueprint Genetics
Classification: Pathogenic for MYO7A-related disorders. Last evaluated: 2023-07-24. Review status: criteria provided, single submitter. Criteria: ACMG Guidelines, 2015. Collection method: clinical testing. Allele origin: germline. Affected: yes. Observed: 5 variant alleles.

The Shared Resource Centre "Genome", Research Centre for Medical Genetics
Classification: Pathogenic for Autosomal recessive nonsyndromic hearing loss 2. Last evaluated: 2022-11-10. Review status: criteria provided, single submitter. Criteria: ACMG Guidelines, 2015. Collection method: clinical testing. Allele origin: germline. Affected: yes. Observed: 1 variant allele.

Institute of Human Genetics, Univ. Regensburg, Univ. Regensburg
Classification: Pathogenic for Retinal dystrophy. Last evaluated: 2022-01-01. Review status: criteria provided, single submitter. Criteria: ACMG Guidelines, 2015. Collection method: clinical testing. Allele origin: germline. Affected: yes.

Institute of Medical Genetics and Applied Genomics, University Hospital Tübingen
Classification: Pathogenic. Last evaluated: 2020-10-23. Review status: criteria provided, single submitter. Criteria: ACMG Guidelines, 2015. Collection method: clinical testing. Allele origin: germline. Inheritance: Autosomal unknown. Affected: yes.

Fulgent Genetics
Classification: Likely pathogenic for Usher syndrome type 1; Autosomal recessive nonsyndromic hearing loss 2; Autosomal dominant nonsyndromic hearing loss 11. Last evaluated: 2018-10-31. Review status: criteria provided, single submitter. Criteria: ACMG Guidelines, 2015. Collection method: clinical testing. Allele origin: unknown.

Illumina Laboratory Services, Illumina
Classification: Pathogenic for MYO7A-Related Disorders. Last evaluated: 2017-09-14. Review status: criteria provided, single submitter. Criteria: ICSL Variant Classification Criteria 09 May 2019. Collection method: clinical testing. Allele origin: germline.
Comment: Variants in the MYO7A gene are known to cause MYO7A-related disorders, which include Usher syndrome and autosomal recessive and autosomal dominant forms of nonsyndromic hearing loss. The c.5573T>C (p.Leu1858Pro) variant has been identified in a compound heterozygous state in at least six affected individuals, including five with Usher syndrome type 1 and one with autosomal recessive nonsyndromic hearing loss (Roux et al. 2006; Jacobson et al. 2008; Roux et al. 2011; Le Quesne Stabej et al. 2012; Bademci et al. 2016). One additional individual with Usher syndrome type 1 was heterozygous for the p.Leu1858Pro variant and another missense variant, but the phase of the variants was unclear (Bharadwaj et al. 2000). The variant has not been reported in conjunction with autosomal dominant nonsyndromic hearing loss. The p.Leu1858Pro variant was absent from 2148 control chromosomes and is reported at a frequency of 0.000056 in the European (non-Finnish) population of the Genome Aggregation Database. Based on the collective evidence, the p.Leu1858Pro variant is classified as pathogenic for MYO7A-related disorders. Note: While the p.Leu1858Pro variant has not been reported in conjunction with autosomal dominant nonsyndromic hearing loss, disease risk cannot be ruled out. This variant was observed by ICSL as part of a predisposition screen in an ostensibly healthy population.

Laboratory for Molecular Medicine, Mass General Brigham Personalized Medicine
Classification: Pathogenic for Rare genetic deafness. Last evaluated: 2016-08-23. Review status: criteria provided, single submitter. Criteria: LMM Criteria. Collection method: clinical testing. Allele origin: germline. Inheritance: Autosomal recessive inheritance. Observed: 8 variant alleles.
Comment: The p.Leu1858Pro variant in MYO7A has been reported in at least 10 probands with Usher syndrome who were either homozygous for the variant or compound heterozyg ous with a second pathogenic or likely pathogenic variant in MYO7A (Bharadwaj 20 00, Roux 2006, Jacobson 2008, Blanchet 2007, Roux 2011, LeQuesne Stabej 2012, LM M data). It has been identified in 3/55658 European chromosomes by the Exome Agg regation Consortium (dbSNP rs368657015), which is low enough to be consistent with the carrier frequency in the general populat ion. In summary, this variant meets criteria to be classified as pathogenic for Usher syndrome in an autosomal recessive manner based on its presence in homozyg osity or compound heterozygosity with a second pathogenic allele in many individ uals with Usher syndrome, and low frequency in the general population.

PreventionGenetics, part of Exact Sciences
Classification: Pathogenic for MYO7A-related condition. Last evaluated: 2024-09-11. Review status: no assertion criteria provided. Collection method: clinical testing. Allele origin: germline. Not counted in ClinVar's aggregate classification.
Comment: The MYO7A c.5573T>C variant is predicted to result in the amino acid substitution p.Leu1858Pro. This variant has been reported in the homozygous state or heterozygous state with a second MYO7A variant in multiple individuals with typical or atypical Usher syndrome (Bharadwaj. 2000. PubMed ID: 10930322; Roux et al. 2006. PubMed ID: 16679490; Jacobson et al. 2008. PubMed ID: 18463160; Roux et al. 2011. PubMed ID: 21436283; Le Quesne Stabej et al. 2012. PubMed ID: 22135276; Bademci. 2016. PubMed ID: 26226137; Neuhaus. 2017. PubMed ID: 28944237; Khateb et al. 2019. PubMed ID: 31479088; Bahena et al. 2021. PubMed ID: 34148116). In an least one of the reported individuals, the variant was confirmed to be in trans with a second causative variant (Bademci. 2016. PubMed ID: 26226137). This variant is reported in 0.0055% of alleles in individuals of European (Non-Finnish) descent in gnomAD. It is interpreted as pathogenic or likely pathogenic by multiple submitters to ClinVar. Taken together, this variant is interpreted as pathogenic.

Counsyl
Classification: Likely pathogenic for Autosomal recessive nonsyndromic hearing loss 2. Last evaluated: 2017-07-24. Review status: no assertion criteria provided. Collection method: clinical testing. Allele origin: unknown. Not counted in ClinVar's aggregate classification.

Clinical Genetics DNA and cytogenetics Diagnostics Lab, Erasmus MC, Erasmus Medical Center
Classification: Likely pathogenic. Review status: no assertion criteria provided. Collection method: clinical testing. Allele origin: germline. Affected: yes. Study: VKGL Data-share Consensus. Not counted in ClinVar's aggregate classification.

Clinical Genetics, Academic Medical Center
Classification: Likely pathogenic. Review status: no assertion criteria provided. Collection method: clinical testing. Allele origin: germline. Affected: yes. Study: VKGL Data-share Consensus. Not counted in ClinVar's aggregate classification.

Joint Genome Diagnostic Labs from Nijmegen and Maastricht, Radboudumc and MUMC+
Classification: Likely pathogenic. Review status: no assertion criteria provided. Collection method: clinical testing. Allele origin: germline. Affected: yes. Study: VKGL Data-share Consensus. Not counted in ClinVar's aggregate classification.

Literature cited by the submitters: PubMed 10930322 (cited by 6 submitters); PubMed 16679490 (cited by 5 submitters); PubMed 22135276 (cited by 4 submitters); PubMed 28944237 (cited by 4 submitters); PubMed 26226137 (cited by 3 submitters); PubMed 34148116 (cited by 3 submitters); PubMed 27460420 (cited by Natera, Inc.); PubMed 31589614 (cited by Institute of Human Genetics, Univ. Regensburg, Univ. Regensburg); PubMed 31479088 (cited by Institute of Human Genetics, Univ. Regensburg, Univ. Regensburg); PubMed 31964843 (cited by Institute of Human Genetics, Univ. Regensburg, Univ. Regensburg); PubMed 34948090 (cited by Institute of Human Genetics, Univ. Regensburg, Univ. Regensburg); PubMed 18463160 (cited by Illumina Laboratory Services, Illumina and Laboratory for Molecular Medicine, Mass General Brigham Personalized Medicine); PubMed 21436283 (cited by 3 submitters); PubMed 18323324 (cited by Laboratory for Molecular Medicine, Mass General Brigham Personalized Medicine); PubMed 18484607 (cited by Laboratory for Molecular Medicine, Mass General Brigham Personalized Medicine); PubMed 21311020 (cited by Counsyl); PubMed 21873662 (cited by Counsyl).